The following is an entry in ClinVar:

NM_005477.3(HCN4):c.1793A>G (p.Asn598Ser)

Gene: HCN4 (hyperpolarization activated cyclic nucleotide gated potassium channel 4; minus strand). Cytogenetic location: 15q24.1.
Variant type: single nucleotide variant.
Coding change: c.1793A>G on transcript NM_005477.3 (MANE Select); coding-DNA position 1793, A replaced by G.
Protein change: p.Asn598Ser; replaces asparagine 598 with serine.
Molecular consequence: missense variant.
Genome position (GRCh38, 1-based): chr15:73,325,140, T>C on the plus strand (A>G on the coding strand, the complement: HCN4 is on the minus strand). VCF-style: chr15-73325140-T-C. GRCh37 (hg19) VCF-style: chr15-73617481-T-C.
Other names: c.1793A>G (NM_005477.2); short protein forms N598S.
Identifiers: ClinVar variation 2153034 (VCV002153034.5), dbSNP rs748914461, ClinGen allele CA7649185.

ClinVar aggregate classification (germline): Uncertain significance. Review status: criteria provided, multiple submitters, no conflicts (2 of 4 stars). 2 submissions from 2 submitters: Uncertain significance (2). Last evaluated 2025-12-22.

Conditions:
Brugada syndrome 8 (BRGDA8). Identifiers: Orphanet 130, MedGen C2751083, MONDO:0013148, OMIM 613123.
Cardiovascular phenotype. Identifiers: MedGen CN230736.

Allele frequency attached by ClinVar (database versions not stated): TOPMed below 0.00001; gnomAD 0.00001; ExAC 0.00002.
gnomAD v4.1: 12 of 1,614,080 alleles (0.00074%); highest among the groups gnomAD compares: South Asian, 0.0033%; no homozygotes.

Submissions (2):

Labcorp Genetics (formerly Invitae), Labcorp
Classification: Uncertain significance for Brugada syndrome 8. Last evaluated: 2025-12-22. Review status: criteria provided, single submitter. Criteria: Invitae Variant Classification Sherloc (09022015). Collection method: clinical testing. Allele origin: germline.
Comment: This sequence change replaces asparagine, which is neutral and polar, with serine, which is neutral and polar, at codon 598 of the HCN4 protein (p.Asn598Ser). This variant is present in population databases (rs748914461, gnomAD 0.006%). This variant has not been reported in the literature in individuals affected with HCN4-related conditions. ClinVar contains an entry for this variant (Variation ID: 2153034). Invitae Evidence Modeling of protein sequence and biophysical properties (such as structural, functional, and spatial information, amino acid conservation, physicochemical variation, residue mobility, and thermodynamic stability) indicates that this missense variant is expected to disrupt HCN4 protein function with a positive predictive value of 95%. In summary, the available evidence is currently insufficient to determine the role of this variant in disease. Therefore, it has been classified as a Variant of Uncertain Significance.

Ambry Genetics
Classification: Uncertain significance for Cardiovascular phenotype. Last evaluated: 2023-12-22. Review status: criteria provided, single submitter. Criteria: Ambry Variant Classification Scheme 2023. Collection method: clinical testing. Allele origin: germline.
Comment: The p.N598S variant (also known as c.1793A>G), located in coding exon 6 of the HCN4 gene, results from an A to G substitution at nucleotide position 1793. The asparagine at codon 598 is replaced by serine, an amino acid with highly similar properties. This amino acid position is conserved. In addition, the in silico prediction for this alteration is inconclusive. Since supporting evidence is limited at this time, the clinical significance of this alteration remains unclear.